The following is an entry in ClinVar:

NM_000179.3(MSH6):c.3448T>G (p.Leu1150Val)

Gene: MSH6 (mutS homolog 6; plus strand). Cytogenetic location: 2p16.3.
Variant type: single nucleotide variant.
Coding change: c.3448T>G on transcript NM_000179.3 (MANE Select); coding-DNA position 3448, T replaced by G.
Protein change: p.Leu1150Val; replaces leucine 1150 with valine.
Molecular consequence: missense variant.
Genome position (GRCh38, 1-based): chr2:47,804,919, T>G. VCF-style: chr2-47804919-T-G. GRCh37 (hg19) VCF-style: chr2-48032058-T-G.
Other names: c.3058T>G, p.Leu1020Val (NM_001281492.2); c.2542T>G, p.Leu848Val (NM_001281493.2, NM_001281494.2); short protein forms L1020V, L1150V, L848V.
Identifiers: ClinVar variation 1023941 (VCV001023941.9), dbSNP rs774584492, ClinGen allele CA346759960.

ClinVar aggregate classification (germline): Uncertain significance (1 of 4 stars; one submission).

Conditions:
Hereditary nonpolyposis colorectal neoplasms. Identifiers: MedGen C0009405, MeSH D003123.

Submission:

Labcorp Genetics (formerly Invitae), Labcorp
Classification: Uncertain significance for Hereditary nonpolyposis colorectal neoplasms. Last evaluated: 2026-01-27. Review status: criteria provided, single submitter. Criteria: Invitae Variant Classification Sherloc (09022015). Collection method: clinical testing. Allele origin: germline.
Comment: This sequence change replaces leucine, which is neutral and non-polar, with valine, which is neutral and non-polar, at codon 1150 of the MSH6 protein (p.Leu1150Val). This variant is not present in population databases (gnomAD no frequency). This variant has not been reported in the literature in individuals affected with MSH6-related conditions. ClinVar contains an entry for this variant (Variation ID: 1023941). Invitae Evidence Modeling of protein sequence and biophysical properties (such as structural, functional, and spatial information, amino acid conservation, physicochemical variation, residue mobility, and thermodynamic stability) indicates that this missense variant is not expected to disrupt MSH6 protein function with a negative predictive value of 95%. In summary, the available evidence is currently insufficient to determine the role of this variant in disease. Therefore, it has been classified as a Variant of Uncertain Significance.